The following is an entry in ClinVar:

ClinVar aggregate classification (germline): Uncertain significance. Review status: criteria provided, multiple submitters, no conflicts (2 of 4 stars). 2 submissions from 2 submitters: Uncertain significance (2). Last evaluated 2025-01-02.

Conditions:
Inborn genetic diseases. Identifiers: MedGen C0950123, MeSH D030342.

Allele frequency attached by ClinVar (database versions not stated): ExAC 0.00002; ESP Exome Variant Server 0.00008; gnomAD exomes 0.00001.
gnomAD v4.1: 4 of 1,614,006 alleles (0.00025%); highest among the groups gnomAD compares: Non-Finnish European, 0.00034%; no homozygotes.

Submissions (2):

Ambry Genetics
Classification: Uncertain significance for Inborn genetic diseases. Last evaluated: 2025-01-02. Review status: criteria provided, single submitter. Criteria: Ambry Variant Classification Scheme 2023. Collection method: clinical testing. Allele origin: germline.

Labcorp Genetics (formerly Invitae), Labcorp
Classification: Uncertain significance. Last evaluated: 2023-10-03. Review status: criteria provided, single submitter. Criteria: Invitae Variant Classification Sherloc (09022015). Collection method: clinical testing. Allele origin: germline.
Comment: This sequence change replaces alanine, which is neutral and non-polar, with valine, which is neutral and non-polar, at codon 227 of the PTPN23 protein (p.Ala227Val). This variant is present in population databases (rs369118542, gnomAD 0.003%). This variant has not been reported in the literature in individuals affected with PTPN23-related conditions. ClinVar contains an entry for this variant (Variation ID: 1367626). Experimental studies and prediction algorithms are not available or were not evaluated, and the functional significance of this variant is currently unknown. In summary, the available evidence is currently insufficient to determine the role of this variant in disease. Therefore, it has been classified as a Variant of Uncertain Significance.

NM_015466.4(PTPN23):c.680C>T (p.Ala227Val)

Gene: PTPN23 (protein tyrosine phosphatase non-receptor type 23; plus strand). Cytogenetic location: 3p21.31.
Variant type: single nucleotide variant.
Coding change: c.680C>T on transcript NM_015466.4 (MANE Select); coding-DNA position 680, C replaced by T.
Protein change: p.Ala227Val; replaces alanine 227 with valine.
Molecular consequence: missense variant.
Genome position (GRCh38, 1-based): chr3:47,406,533, C>T. VCF-style: chr3-47406533-C-T. GRCh37 (hg19) VCF-style: chr3-47448023-C-T.
Other names: c.302C>T, p.Ala101Val (NM_001304482.2); c.680C>T (NM_015466.2); short protein forms A227V, A101V.
Identifiers: ClinVar variation 1367626 (VCV001367626.7), dbSNP rs369118542, ClinGen allele CA2365425.
Genomic context (GRCh38, chr3:47,406,533, plus strand): 5'-GTTCTCAGGTGGTAGATTACTACAAGGAGGCATGCCGGGCCTTGGAGAACCCCGACACTG[C>T]CTCACTGCTGGGCCGGATCCAGAAGGACTGGAAGAAACTTGTGCAGATGAAGATCTACTA-3'
Protein context (NP_056281.1, residues 217-237): ACRALENPDT[Ala227Val]SLLGRIQKDW